The following is an entry in ClinVar:

ClinVar aggregate classification (germline): Uncertain significance. Review status: criteria provided, multiple submitters, no conflicts (2 of 4 stars). 2 submissions from 2 submitters: Uncertain significance (2). Last evaluated 2025-01-22.

Conditions:
Inborn genetic diseases. Identifiers: MedGen C0950123, MeSH D030342.

Allele frequency attached by ClinVar (database versions not stated): gnomAD 0.00002 and 0.00004; TOPMed 0.00002; ExAC 0.00005; 1000 Genomes Project 30x 0.00016; 1000 Genomes Project 0.00020.
gnomAD v4.1: 34 of 1,614,126 alleles (0.0021%); highest among the groups gnomAD compares: South Asian, 0.029%; no homozygotes.

Submissions (2):

Ambry Genetics
Classification: Uncertain significance for Inborn genetic diseases. Last evaluated: 2025-01-22. Review status: criteria provided, single submitter. Criteria: Ambry Variant Classification Scheme 2023. Collection method: clinical testing. Allele origin: germline.

Labcorp Genetics (formerly Invitae), Labcorp
Classification: Uncertain significance. Last evaluated: 2022-03-19. Review status: criteria provided, single submitter. Criteria: Invitae Variant Classification Sherloc (09022015). Collection method: clinical testing. Allele origin: germline.
Comment: This sequence change replaces arginine, which is basic and polar, with cysteine, which is neutral and slightly polar, at codon 255 of the TANGO2 protein (p.Arg255Cys). This variant is present in population databases (rs201237746, gnomAD 0.04%). This variant has not been reported in the literature in individuals affected with TANGO2-related conditions. Algorithms developed to predict the effect of missense changes on protein structure and function are either unavailable or do not agree on the potential impact of this missense change (SIFT: "Not Available"; PolyPhen-2: "Probably Damaging"; Align-GVGD: "Not Available"). In summary, the available evidence is currently insufficient to determine the role of this variant in disease. Therefore, it has been classified as a Variant of Uncertain Significance.

NM_152906.7(TANGO2):c.763C>T (p.Arg255Cys)

Gene: TANGO2 (transport and golgi organization 2 homolog; plus strand). Cytogenetic location: 22q11.21.
Variant type: single nucleotide variant.
Coding change: c.763C>T on transcript NM_152906.7 (MANE Select); coding-DNA position 763, C replaced by T.
Protein change: p.Arg255Cys; replaces arginine 255 with cysteine.
Molecular consequence: missense variant. On other transcripts: 3 prime UTR variant (7), non-coding transcript variant (5).
Genome position (GRCh38, 1-based): chr22:20,064,594, C>T. VCF-style: chr22-20064594-C-T. GRCh37 (hg19) VCF-style: chr22-20052117-C-T.
Other names: c.763C>T, p.Arg255Cys (NM_001283106.3, NM_001283116.3); c.886C>T, p.Arg296Cys (NM_001283129.3, NM_001322143.2); c.*2C>T (NM_001283148.3, NM_001283154.3, NM_001322144.2 and 2 more transcripts); c.577C>T, p.Arg193Cys (NM_001283179.3, NM_001283186.3, NM_001322163.2 and 2 more transcripts); c.538C>T, p.Arg180Cys (NM_001283199.3); c.*30C>T (NM_001283215.3); c.469C>T, p.Arg157Cys (NM_001283235.3, NM_001322171.2, NM_001322172.2 and 3 more transcripts); c.*99C>T (NM_001283248.3); and 7 more; short protein forms R209C, R255C, R273C, R157C, R180C, R307C, R234C, R348C.
Identifiers: ClinVar variation 1397725 (VCV001397725.4), dbSNP rs201237746, ClinGen allele CA10106576.
Genomic context (GRCh38, chr22:20,064,594, plus strand): 5'-TCTTTCAGAACCAACACTATCATCCTGGTAGATGCGGACGGCCACGTGACCTTCACTGAG[C>T]GTAGCATGATGGACAAGGACCTCTCCCACTGGGAGACCAGAACCTATGAGTTCACACTGC-3'
Protein context (NP_690870.3, residues 245-265): DADGHVTFTE[Arg255Cys]SMMDKDLSHW